The following is an entry in ClinVar:

ClinVar aggregate classification (germline): Pathogenic (1 of 4 stars; one submission).

Conditions:
Intellectual developmental disorder, autosomal dominant 44, with microcephaly. Also called: Micrognathia-recurrent infections-behavioral abnormalities-mild intellectual disability syndrome; TRIO-Related Intellectual Disability. Identifiers: Orphanet 476126, MedGen C4310740, MONDO:0014892, OMIM 617061.

Submission:

Women's Health and Genetics/Laboratory Corporation of America, LabCorp
Classification: Pathogenic for TRIO-Related Intellectual Disability. Last evaluated: 2025-12-05. Review status: criteria provided, single submitter. Criteria: LabCorp Variant Classification Summary - May 2015. Collection method: clinical testing. Allele origin: germline.
Comment: Variant summary: TRIO c.5770delG (p.Glu1924ArgfsX44) results in a premature termination codon, predicted to cause a truncation of the encoded protein or absence of the protein due to nonsense mediated decay, which are commonly known mechanisms for disease. The variant was absent in 250902 control chromosomes. To our knowledge, no experimental evidence demonstrating an impact on protein function has been reported. No submitters have cited clinical-significance assessments for this variant to ClinVar. Based on the evidence outlined above, the variant was classified as pathogenic.

NM_007118.4(TRIO):c.5770del (p.Glu1924fs)

Gene: TRIO (trio Rho guanine nucleotide exchange factor; plus strand). Cytogenetic location: 5p15.2.
Variant type: Deletion.
Coding change: c.5770del on transcript NM_007118.4 (MANE Select); coding-DNA position 5770, one base deleted (G; older notation c.5770delG).
Protein change: p.Glu1924fs; shifts the reading frame from glutamic acid 1924.
Molecular consequence: frameshift variant. On other transcripts: non-coding transcript variant (1).
Genome position (GRCh38, 1-based): chr5:14,471,324, G deleted; the last of 2 consecutive G bases (chr5:14,471,323-14,471,324); deleting either gives the same sequence. VCF-style (leftmost placement, unchanged base first): chr5-14471322-TG-T. GRCh37 (hg19) VCF-style: chr5-14471431-TG-T.
Other names: c.5770delG (NM_007118.4); short protein forms E1924fs.
Identifiers: ClinVar variation 4688537 (VCV004688537.1).
Genomic context (GRCh38, chr5:14,471,322, plus strand): 5'-TAGCCAATCATGGGCTGTGGGCAGTAAGTGTTGTTGATTATGTCAATTTCTTCCAGGCAC[TG>T]GAGGATCGCCCCAGCTCACTCCTTGTTGACCAGGGAGATAGTAGCAGCCCTTCCTTCAAC-3'